The following is an entry in ClinVar:

NM_024652.6(LRRK1):c.202G>T (p.Gly68Cys)

Gene: LRRK1 (leucine rich repeat kinase 1; plus strand). Cytogenetic location: 15q26.3.
Variant type: single nucleotide variant.
Coding change: c.202G>T on transcript NM_024652.6 (MANE Select); coding-DNA position 202, G replaced by T.
Protein change: p.Gly68Cys; replaces glycine 68 with cysteine.
Molecular consequence: missense variant.
Genome position (GRCh38, 1-based): chr15:100,973,908, G>T. VCF-style: chr15-100973908-G-T. GRCh37 (hg19) VCF-style: chr15-101514113-G-T.
Other names: short protein forms G68C.
Identifiers: ClinVar variation 1445778 (VCV001445778.6), dbSNP rs56289455, ClinGen allele CA393950078.

ClinVar aggregate classification (germline): Uncertain significance (1 of 4 stars; one submission).

Submission:

Labcorp Genetics (formerly Invitae), Labcorp
Classification: Uncertain significance. Last evaluated: 2022-06-28. Review status: criteria provided, single submitter. Criteria: Invitae Variant Classification Sherloc (09022015). Collection method: clinical testing. Allele origin: germline.
Comment: This variant has not been reported in the literature in individuals affected with LRRK1-related conditions. This variant is not present in population databases (gnomAD no frequency). This sequence change replaces glycine, which is neutral and non-polar, with cysteine, which is neutral and slightly polar, at codon 68 of the LRRK1 protein (p.Gly68Cys). Algorithms developed to predict the effect of missense changes on protein structure and function (SIFT, PolyPhen-2, Align-GVGD) all suggest that this variant is likely to be tolerated. In summary, the available evidence is currently insufficient to determine the role of this variant in disease. Therefore, it has been classified as a Variant of Uncertain Significance.